The following is an entry in ClinVar:

ClinVar aggregate classification (germline): Conflicting classifications of pathogenicity. Review status: criteria provided, conflicting classifications (1 of 4 stars). 2 submissions from 2 submitters: Uncertain significance (1); Likely benign (1). Last evaluated 2024-08-17.

Conditions:
Hereditary cancer-predisposing syndrome. Also called: Neoplastic Syndromes, Hereditary; Tumor predisposition; Hereditary Cancer Syndrome; Hereditary neoplastic syndrome. Identifiers: Orphanet 140162, MedGen C0027672, MeSH D009386, MONDO:0015356.
Familial cancer of breast. Also called: BREAST CANCER, FAMILIAL; Hereditary breast cancer; hereditary breast carcinoma. Identifiers: Orphanet 227535, MedGen C0346153, MONDO:0016419, OMIM 114480. Disease mechanism: loss of function.

Submissions (2):

Labcorp Genetics (formerly Invitae), Labcorp
Classification: Uncertain significance for Familial cancer of breast. Last evaluated: 2024-08-17. Review status: criteria provided, single submitter. Criteria: Invitae Variant Classification Sherloc (09022015). Collection method: clinical testing. Allele origin: germline.
Comment: This sequence change replaces leucine, which is neutral and non-polar, with valine, which is neutral and non-polar, at codon 132 of the BARD1 protein (p.Leu132Val). This variant is not present in population databases (gnomAD no frequency). This variant has not been reported in the literature in individuals affected with BARD1-related conditions. ClinVar contains an entry for this variant (Variation ID: 1736433). An algorithm developed to predict the effect of missense changes on protein structure and function (PolyPhen-2) suggests that this variant is likely to be tolerated. In summary, the available evidence is currently insufficient to determine the role of this variant in disease. Therefore, it has been classified as a Variant of Uncertain Significance.

Ambry Genetics
Classification: Likely benign for Hereditary cancer-predisposing syndrome. Last evaluated: 2024-02-26. Review status: criteria provided, single submitter. Criteria: Ambry Variant Classification Scheme 2023. Collection method: clinical testing. Allele origin: germline.

NM_000465.4(BARD1):c.394T>G (p.Leu132Val)

Gene: BARD1 (BRCA1 associated RING domain 1; minus strand). Cytogenetic location: 2q35.
Variant type: single nucleotide variant.
Coding change: c.394T>G on transcript NM_000465.4 (MANE Select); coding-DNA position 394, T replaced by G.
Protein change: p.Leu132Val; replaces leucine 132 with valine.
Molecular consequence: missense variant. On other transcripts: non-coding transcript variant (2), intron variant (3).
Genome position (GRCh38, 1-based): chr2:214,781,480, A>C on the plus strand (T>G on the coding strand, the complement: BARD1 is on the minus strand). VCF-style: chr2-214781480-A-C. GRCh37 (hg19) VCF-style: chr2-215646204-A-C.
Other names: c.337T>G, p.Leu113Val (NM_001282543.2); c.158+27932T>G (NM_001282548.2); c.215+15581T>G (NM_001282545.2); c.364+10817T>G (NM_001282549.2); short protein forms L113V, L132V.
Identifiers: ClinVar variation 1736433 (VCV001736433.5), dbSNP rs2469514208, ClinGen allele CA350458147.